The following is an entry in ClinVar:

NM_005559.4(LAMA1):c.7862C>G (p.Ser2621Cys)

Gene: LAMA1 (laminin subunit alpha 1; minus strand). Cytogenetic location: 18p11.31.
Variant type: single nucleotide variant.
Coding change: c.7862C>G on transcript NM_005559.4 (MANE Select); coding-DNA position 7862, C replaced by G.
Protein change: p.Ser2621Cys; replaces serine 2621 with cysteine.
Molecular consequence: missense variant.
Genome position (GRCh38, 1-based): chr18:6,958,579, G>C on the plus strand (C>G on the coding strand, the complement: LAMA1 is on the minus strand). VCF-style: chr18-6958579-G-C. GRCh37 (hg19) VCF-style: chr18-6958578-G-C.
Other names: c.7862C>G (NM_005559.3); short protein forms S2621C.
Identifiers: ClinVar variation 2165499 (VCV002165499.5), dbSNP rs779738881, ClinGen allele CA8880763.

ClinVar aggregate classification (germline): Uncertain significance. Review status: criteria provided, multiple submitters, no conflicts (2 of 4 stars). 2 submissions from 2 submitters: Uncertain significance (2). Last evaluated 2025-03-07.

Conditions:
Inborn genetic diseases. Identifiers: MedGen C0950123, MeSH D030342.

Allele frequency attached by ClinVar (database versions not stated): ExAC 0.00001; gnomAD 0.00001; TOPMed 0.00001.
gnomAD v4.1: 94 of 1,614,040 alleles (0.0058%); highest among the groups gnomAD compares: Non-Finnish European, 0.008%; no homozygotes.

Submissions (2):

Ambry Genetics
Classification: Uncertain significance for Inborn genetic diseases. Last evaluated: 2025-03-07. Review status: criteria provided, single submitter. Criteria: Ambry Variant Classification Scheme 2023. Collection method: clinical testing. Allele origin: germline.

Labcorp Genetics (formerly Invitae), Labcorp
Classification: Uncertain significance. Last evaluated: 2021-12-24. Review status: criteria provided, single submitter. Criteria: Invitae Variant Classification Sherloc (09022015). Collection method: clinical testing. Allele origin: germline.
Comment: This sequence change replaces serine, which is neutral and polar, with cysteine, which is neutral and slightly polar, at codon 2621 of the LAMA1 protein (p.Ser2621Cys). This variant is present in population databases (rs779738881, gnomAD 0.002%). This variant has not been reported in the literature in individuals affected with LAMA1-related conditions. Algorithms developed to predict the effect of missense changes on protein structure and function are either unavailable or do not agree on the potential impact of this missense change (SIFT: "Tolerated"; PolyPhen-2: "Probably Damaging"; Align-GVGD: "Class C0"). In summary, the available evidence is currently insufficient to determine the role of this variant in disease. Therefore, it has been classified as a Variant of Uncertain Significance.